The following is an entry in ClinVar:

ClinVar aggregate classification (germline): Uncertain significance (1 of 4 stars; one submission).

gnomAD v4.1: 55 of 1,606,498 alleles (0.0034%); highest among the groups gnomAD compares: Admixed American, 0.015%; no homozygotes.

Submission:

CeGaT Center for Human Genetics Tuebingen
Classification: Uncertain significance. Last evaluated: 2026-01-01. Review status: criteria provided, single submitter. Criteria: CeGaT Center For Human Genetics Tuebingen Variant Classification Criteria Version 2. Collection method: clinical testing. Allele origin: germline. Affected: yes. Observed: 1 variant allele.
Comment: TSPOAP1: PM2, BP4

NM_004758.4(TSPOAP1):c.3891+6G>A

Gene: TSPOAP1 (TSPO associated protein 1; minus strand). Cytogenetic location: 17q22.
Variant type: single nucleotide variant.
Coding change: c.3891+6G>A on transcript NM_004758.4 (MANE Select); 6 bases into the intron after coding-DNA position 3891, G replaced by A.
Molecular consequence: intron variant.
Genome position (GRCh38, 1-based): chr17:58,309,961, C>T on the plus strand (G>A on the coding strand, the complement: TSPOAP1 is on the minus strand). VCF-style: chr17-58309961-C-T. GRCh37 (hg19) VCF-style: chr17-56387322-C-T.
Other names: c.3711+6G>A (NM_024418.3); c.3891+6G>A (NM_001261835.2).
Identifiers: ClinVar variation 4821517 (VCV004821517.4).